The following is an entry in ClinVar:

ClinVar aggregate classification (germline): Uncertain significance (1 of 4 stars; one submission).

Submission:

Labcorp Genetics (formerly Invitae), Labcorp
Classification: Uncertain significance. Last evaluated: 2023-12-25. Review status: criteria provided, single submitter. Criteria: Invitae Variant Classification Sherloc (09022015). Collection method: clinical testing. Allele origin: germline.
Comment: This sequence change falls in intron 5 of the IL2RB gene. It does not directly change the encoded amino acid sequence of the IL2RB protein. Information on the frequency of this variant in the gnomAD database is not available, as this variant may be reported differently in the database. This variant has not been reported in the literature in individuals affected with IL2RB-related conditions. Experimental studies and prediction algorithms are not available or were not evaluated, and the effect of this variant on mRNA splicing is currently unknown. In summary, the available evidence is currently insufficient to determine the role of this variant in disease. Therefore, it has been classified as a Variant of Uncertain Significance.

NM_000878.5(IL2RB):c.389-21_389-20delinsTG

Gene: IL2RB (interleukin 2 receptor subunit beta; minus strand). Cytogenetic location: 22q12.3.
Variant type: Indel.
Coding change: c.389-21_389-20delinsTG on transcript NM_000878.5 (MANE Select); 21 bases into the intron before coding-DNA position 389 through 20 bases into the intron before coding-DNA position 389, CC replaced by TG.
Molecular consequence: intron variant.
Genome position (GRCh38, 1-based): chr22:37,137,755-37,137,756, GG replaced by CA on the plus strand (CC replaced by TG on the coding strand, the reverse complement: IL2RB is on the minus strand). VCF-style: chr22-37137755-GG-CA. GRCh37 (hg19) VCF-style: chr22-37533795-GG-CA.
Other names: c.389-21_389-20delinsTG (NM_001346222.1, NM_001346223.2).
Identifiers: ClinVar variation 2988892 (VCV002988892.3), dbSNP rs2517840116, ClinGen allele CA2740094830.
Genomic context (GRCh38, chr22:37,137,755, plus strand): 5'-CACGTGGACAACTTGGAGGGAGATGGGGGCCATCAGGCGAACTGGAGACAACAGGGGGTA[GG>CA]GGAGAGCAGTCAGCCATGACCTCCACCTCCCACTTTGTACCTGCCACTCCTCCCTCCTGG-3'